The following is an entry in ClinVar:

ClinVar aggregate classification (germline): Likely benign (1 of 4 stars; one submission).

gnomAD v4.1: 15 of 1,588,526 alleles (0.00094%); highest among the groups gnomAD compares: Admixed American, 0.0018%; no homozygotes.

Submission:

CeGaT Center for Human Genetics Tuebingen
Classification: Likely benign. Last evaluated: 2022-10-01. Review status: criteria provided, single submitter. Criteria: CeGaT Center For Human Genetics Tuebingen Variant Classification Criteria Version 2. Collection method: clinical testing. Allele origin: germline. Affected: yes. Observed: 1 variant allele.
Comment: ZNF292: BP4, BP7

NM_015021.3(ZNF292):c.5838C>G (p.Pro1946=)

Gene: ZNF292 (zinc finger protein 292; plus strand). Cytogenetic location: 6q14.3.
Variant type: single nucleotide variant.
Coding change: c.5838C>G on transcript NM_015021.3 (MANE Select); coding-DNA position 5838, C replaced by G.
Protein change: p.Pro1946=; no amino-acid change (proline 1946 retained).
Molecular consequence: synonymous variant.
Genome position (GRCh38, 1-based): chr6:87,259,467, C>G. VCF-style: chr6-87259467-C-G. GRCh37 (hg19) VCF-style: chr6-87969185-C-G.
Other names: c.5418C>G, p.Pro1806= (NM_001351444.2).
Identifiers: ClinVar variation 2656749 (VCV002656749.24), dbSNP rs140100853, ClinGen allele CA451345148.